The following is an entry in ClinVar:

ClinVar aggregate classification (germline): Uncertain significance (1 of 4 stars; one submission).

Allele frequency attached by ClinVar (database versions not stated): gnomAD exomes 0.00001 and below 0.00001; gnomAD 0.00001; ExAC 0.00005; TOPMed below 0.00001.
gnomAD v4.1: 3 of 1,537,858 alleles (0.0002%); highest among the groups gnomAD compares: South Asian, 0.0012%; no homozygotes.

Submission:

Labcorp Genetics (formerly Invitae), Labcorp
Classification: Uncertain significance. Last evaluated: 2025-12-01. Review status: criteria provided, single submitter. Criteria: Invitae Variant Classification Sherloc (09022015). Collection method: clinical testing. Allele origin: germline.
Comment: This sequence change replaces serine with leucine at codon 2893 of the UNC80 protein (p.Ser2893Leu). The serine residue is weakly conserved and there is a large physicochemical difference between serine and leucine. This variant is present in population databases (rs760250857, gnomAD 0.004%). This variant has not been reported in the literature in individuals affected with UNC80-related conditions. ClinVar contains an entry for this variant (Variation ID: 1486649). Invitae Evidence Modeling of protein sequence and biophysical properties (such as structural, functional, and spatial information, amino acid conservation, physicochemical variation, residue mobility, and thermodynamic stability) indicates that this missense variant is not expected to disrupt UNC80 protein function with a negative predictive value of 80%. In summary, the available evidence is currently insufficient to determine the role of this variant in disease. Therefore, it has been classified as a Variant of Uncertain Significance.

NM_001371986.1(UNC80):c.8876C>T (p.Ser2959Leu)

Gene: UNC80 (unc-80 subunit of NALCN channel complex; plus strand). Cytogenetic location: 2q34.
Variant type: single nucleotide variant.
Coding change: c.8876C>T on transcript NM_001371986.1 (MANE Select); coding-DNA position 8876, C replaced by T.
Protein change: p.Ser2959Leu; replaces serine 2959 with leucine.
Molecular consequence: missense variant.
Genome position (GRCh38, 1-based): chr2:209,977,016, C>T. VCF-style: chr2-209977016-C-T. GRCh37 (hg19) VCF-style: chr2-210841740-C-T.
Other names: c.8678C>T, p.Ser2893Leu (NM_032504.2); c.8663C>T, p.Ser2888Leu (NM_182587.4); short protein forms S2888L, S2959L, S2893L.
Identifiers: ClinVar variation 1486649 (VCV001486649.8), dbSNP rs760250857, ClinGen allele CA2083602.